The following is an entry in ClinVar:

ClinVar aggregate classification (germline): Uncertain significance (1 of 4 stars; one submission).

Submission:

GeneDx
Classification: Uncertain significance. Last evaluated: 2025-05-19. Review status: criteria provided, single submitter. Criteria: GeneDx Variant Classification Process June 2021. Collection method: clinical testing. Allele origin: germline. Affected: yes.
Comment: Not observed at significant frequency in large population cohorts (gnomAD); Frameshift variant predicted to result in abnormal protein length as the last 54 amino acids are replaced with 94 different amino acids; Has not been previously published as pathogenic or benign to our knowledge

NM_003745.2(SOCS1):c.473_478delinsG (p.Pro158fs)

Gene: SOCS1 (suppressor of cytokine signaling 1; minus strand). Cytogenetic location: 16p13.13.
Variant type: Indel.
Coding change: c.473_478delinsG on transcript NM_003745.2 (MANE Select); coding-DNA positions 473 to 478, CGCGCC replaced by G.
Protein change: p.Pro158fs; shifts the reading frame from proline 158.
Molecular consequence: frameshift variant.
Genome position (GRCh38, 1-based): chr16:11,255,001-11,255,006, GGCGCG replaced by C on the plus strand (CGCGCC replaced by G on the coding strand, the reverse complement: SOCS1 is on the minus strand). VCF-style: chr16-11255001-GGCGCG-C. GRCh37 (hg19) VCF-style: chr16-11348858-GGCGCG-C.
Other names: short protein forms P158fs.
Identifiers: ClinVar variation 4530962 (VCV004530962.1).